The following is an entry in ClinVar:

ClinVar aggregate classification (germline): Likely benign (1 of 4 stars; one submission).

Submission:

CeGaT Center for Human Genetics Tuebingen
Classification: Likely benign. Last evaluated: 2023-10-01. Review status: criteria provided, single submitter. Criteria: CeGaT Center For Human Genetics Tuebingen Variant Classification Criteria Version 2. Collection method: clinical testing. Allele origin: germline. Affected: yes. Observed: 1 variant allele.
Comment: RAB3GAP2: PM2:Supporting, BP4, BP7

NM_012414.4(RAB3GAP2):c.3246T>C (p.Asp1082=)

Gene: RAB3GAP2 (RAB3 GTPase activating non-catalytic protein subunit 2; minus strand). Cytogenetic location: 1q41.
Variant type: single nucleotide variant.
Coding change: c.3246T>C on transcript NM_012414.4 (MANE Select); coding-DNA position 3246, T replaced by C.
Protein change: p.Asp1082=; no amino-acid change (aspartic acid 1082 retained).
Molecular consequence: synonymous variant.
Genome position (GRCh38, 1-based): chr1:220,159,401, A>G on the plus strand (T>C on the coding strand, the complement: RAB3GAP2 is on the minus strand). VCF-style: chr1-220159401-A-G. GRCh37 (hg19) VCF-style: chr1-220332743-A-G.
Identifiers: ClinVar variation 2639910 (VCV002639910.24), dbSNP rs2528619153, ClinGen allele CA423167310.